The following is an entry in ClinVar:

NM_000528.4(MAN2B1):c.159+2T>C

Gene: MAN2B1 (mannosidase alpha class 2B member 1; minus strand). Cytogenetic location: 19p13.13.
Variant type: single nucleotide variant.
Coding change: c.159+2T>C on transcript NM_000528.4 (MANE Select); the canonical splice donor site of the intron after coding-DNA position 159, T replaced by C.
Molecular consequence: splice donor variant.
Genome position (GRCh38, 1-based): chr19:12,666,541, A>G on the plus strand (T>C on the coding strand, the complement: MAN2B1 is on the minus strand). VCF-style: chr19-12666541-A-G. GRCh37 (hg19) VCF-style: chr19-12777355-A-G.
Other names: c.159+2T>C (NM_001173498.2).
Identifiers: ClinVar variation 370454 (VCV000370454.15), dbSNP rs1057516501, ClinGen allele CA16041958.

ClinVar aggregate classification (germline): Likely pathogenic. Review status: criteria provided, multiple submitters, no conflicts (2 of 4 stars). 4 submissions from 4 submitters: Likely pathogenic (3). 1 of the submissions does not count toward it. Last evaluated 2025-10-15.

Conditions:
Deficiency of alpha-mannosidase (MANSA). Also called: LYSOSOMAL ALPHA-D-MANNOSIDASE DEFICIENCY; Mannosidosis, alpha-, types I and II; Alpha-Mannosidosis. Identifiers: Orphanet 61, MedGen C0024748, MONDO:0009561, OMIM 248500.

Allele frequency attached by ClinVar (database versions not stated): gnomAD exomes 0.00001.
gnomAD v4.1: 3 of 1,578,532 alleles (0.00019%); highest among the groups gnomAD compares: East Asian, 0.0023%; no homozygotes.

Submissions (4):

Myriad Genetics, Inc.
Classification: Likely pathogenic for Deficiency of alpha-mannosidase. Last evaluated: 2025-10-15. Review status: criteria provided, single submitter. Criteria: Myriad Autosomal Dominant, Autosomal Recessive and X-Linked Classification Criteria (2023). Collection method: clinical testing. Allele origin: unknown.
Comment: NM_000528.3(MAN2B1):c.159+2T>C is a variant in a canonical splice site classified as likely pathogenic in the context of alpha-mannosidosis. c.159+2T>C has not been observed in cases with relevant disease. Relevant functional assessments of this variant are not available in the literature. c.159+2T>C has not been observed in referenced population frequency databases. In summary, NM_000528.3(MAN2B1):c.159+2T>C is a variant in a canonical splice site in a gene where loss of function is a known mechanism of disease and is predicted to disrupt protein function. Please note: this variant was assessed in the context of healthy population screening.

Labcorp Genetics (formerly Invitae), Labcorp
Classification: Likely pathogenic for Deficiency of alpha-mannosidase. Last evaluated: 2022-12-31. Review status: criteria provided, single submitter. Criteria: Invitae Variant Classification Sherloc (09022015). Collection method: clinical testing. Allele origin: germline.
Comment: This variant is not present in population databases (gnomAD no frequency). This variant has not been reported in the literature in individuals affected with MAN2B1-related conditions. ClinVar contains an entry for this variant (Variation ID: 370454). Algorithms developed to predict the effect of sequence changes on RNA splicing suggest that this variant may disrupt the consensus splice site. In summary, the currently available evidence indicates that the variant is pathogenic, but additional data are needed to prove that conclusively. Therefore, this variant has been classified as Likely Pathogenic. This sequence change affects a donor splice site in intron 1 of the MAN2B1 gene. It is expected to disrupt RNA splicing. Variants that disrupt the donor or acceptor splice site typically lead to a loss of protein function (PMID: 16199547), and loss-of-function variants in MAN2B1 are known to be pathogenic (PMID: 9915946, 22161967).

Genome-Nilou Lab
Classification: Likely pathogenic for Deficiency of alpha-mannosidase. Last evaluated: 2021-07-22. Review status: criteria provided, single submitter. Criteria: ACMG Guidelines, 2015. Collection method: clinical testing. Allele origin: germline. Affected: no.

Counsyl
Classification: Likely pathogenic for Deficiency of alpha-mannosidase. Last evaluated: 2016-02-12. Review status: no assertion criteria provided. Collection method: clinical testing. Allele origin: unknown. Not counted in ClinVar's aggregate classification.

Literature cited by the submitters: PubMed 16199547 (cited by Labcorp Genetics (formerly Invitae), Labcorp); PubMed 9915946 (cited by Labcorp Genetics (formerly Invitae), Labcorp); PubMed 22161967 (cited by Labcorp Genetics (formerly Invitae), Labcorp).